The following is an entry in ClinVar:

ClinVar aggregate classification (germline): Likely pathogenic (1 of 4 stars; one submission).

Conditions:
Autosomal recessive limb-girdle muscular dystrophy type 2J (LGMDR10). Also called: Limb-girdle muscular dystrophy, type 2J; MUSCULAR DYSTROPHY, LIMB-GIRDLE, AUTOSOMAL RECESSIVE 10. Identifiers: Orphanet 140922, MedGen C1837342, MONDO:0012127, OMIM 608807.
Dilated cardiomyopathy 1G (CMD1G). Identifiers: Orphanet 154, MedGen C1858763, MONDO:0011400, OMIM 604145.

Submission:

Labcorp Genetics (formerly Invitae), Labcorp
Classification: Likely pathogenic for Dilated cardiomyopathy 1G; Autosomal recessive limb-girdle muscular dystrophy type 2J. Last evaluated: 2025-05-07. Review status: criteria provided, single submitter. Criteria: Invitae Variant Classification Sherloc (09022015). Collection method: clinical testing. Allele origin: germline.
Comment: This sequence change creates a premature translational stop signal (p.Asp32643Ilefs*20) in the TTN gene. While this is not anticipated to result in nonsense mediated decay, it is expected to create a truncated TTN protein. This variant is not present in population databases (gnomAD no frequency). This variant has not been reported in the literature in individuals affected with TTN-related conditions. ClinVar contains an entry for this variant (Variation ID: 2020288). This variant is located in the A band of TTN (PMID: 25589632). Truncating variants in this region are significantly overrepresented in patients affected with dilated cardiomyopathy (PMID: 25589632). Truncating variants in this region have also been reported in individuals affected with autosomal recessive centronuclear myopathy (PMID: 23975875). In summary, the currently available evidence indicates that the variant is pathogenic, but additional data are needed to prove that conclusively. Therefore, this variant has been classified as Likely Pathogenic.

Literature cited by the submitters: PubMed 25589632; PubMed 23975875.

NM_001267550.2(TTN):c.97927del (p.Asp32643fs)

Genes: TTN (titin; minus strand), TTN-AS1 (TTN antisense RNA 1; plus strand). Cytogenetic location: 2q31.2.
Variant type: Deletion.
Coding change: c.97927del on transcript NM_001267550.2 (MANE Select); coding-DNA position 97927, one base deleted (G; older notation c.97927delG).
Protein change: p.Asp32643fs; shifts the reading frame from aspartic acid 32643.
Molecular consequence: frameshift variant.
Genome position (GRCh38, 1-based): chr2:178,540,239, C deleted on the plus strand (G on the coding strand, the reverse complement: TTN is on the minus strand). VCF-style (leftmost placement, unchanged base first): chr2-178540238-TC-T. GRCh37 (hg19) VCF-style: chr2-179404965-TC-T.
Other names: c.93004del, p.Asp31002fs (NM_001256850.1); c.70732del, p.Asp23578fs (NM_003319.4); c.90223del, p.Asp30075fs (NM_133378.4); c.71107del, p.Asp23703fs (NM_133432.3); c.71308del, p.Asp23770fs (NM_133437.4); short protein forms D23578fs, D31002fs, D23770fs, D23703fs, D32643fs, D30075fs.
Identifiers: ClinVar variation 2020288 (VCV002020288.4), dbSNP rs2468796175, ClinGen allele CA2580064773.